The following is an entry in ClinVar:

ClinVar aggregate classification (germline): Conflicting classifications of pathogenicity. Review status: criteria provided, conflicting classifications (1 of 4 stars). 14 submissions from 10 submitters: Uncertain significance (9); Benign (2); Likely benign (2). 1 of the submissions does not count toward it. Last evaluated 2026-08-06.

Conditions:
TTN-related disorder. Also called: TTN-related condition; TTN-related disease; TTN-related disorders.
Cardiovascular phenotype. Identifiers: MedGen CN230736.
Autosomal recessive limb-girdle muscular dystrophy type 2J (LGMDR10). Also called: Limb-girdle muscular dystrophy, type 2J; MUSCULAR DYSTROPHY, LIMB-GIRDLE, AUTOSOMAL RECESSIVE 10. Identifiers: Orphanet 140922, MedGen C1837342, MONDO:0012127, OMIM 608807.
Dilated cardiomyopathy 1G (CMD1G). Identifiers: Orphanet 154, MedGen C1858763, MONDO:0011400, OMIM 604145.
Cardiomyopathy (CMYO). Also called: Cardiomyopathies. Identifiers: Orphanet 167848, MedGen C0878544, MONDO:0004994, HP:0001638. Inheritance: Various modes of inheritance.
Early-onset myopathy with fatal cardiomyopathy (CMYO5). Also called: Salih Myopathy; CONGENITAL MYOPATHY 5 WITH CARDIOMYOPATHY. Identifiers: Orphanet 289377, MedGen C2673677, MONDO:0012714, OMIM 611705. Disease mechanism: loss of function.
Myopathy, myofibrillar, 9, with early respiratory failure (MFM9). Also called: EDSTROM MYOPATHY; MYOPATHY, PROXIMAL, WITH EARLY RESPIRATORY MUSCLE INVOLVEMENT; Myopathy, distal, with early respiratory failure, autosomal dominant; Hereditary myopathy with early respiratory failure. Identifiers: Orphanet 178464, Orphanet 34521, MedGen C1863599, MONDO:0011362, OMIM 603689.
Tibial muscular dystrophy (TMD). Also called: Tibial muscular dystrophy, tardive; UDD MYOPATHY; Udd Distal Myopathy – Tibial Muscular Dystrophy. Identifiers: Orphanet 609, MedGen C1838244, MONDO:0010870, OMIM 600334.

Allele frequency attached by ClinVar (database versions not stated): TOPMed 0.00011; gnomAD 0.00013 and 0.00014; 1000 Genomes Project 30x 0.00016; gnomAD exomes 0.00019; 1000 Genomes Project 0.00020.
gnomAD v4.1: 290 of 1,613,116 alleles (0.018%); highest among the groups gnomAD compares: Non-Finnish European, 0.024%; no homozygotes.

Submissions (14):

PreventionGenetics, part of Exact Sciences
Classification: Uncertain significance for TTN-related condition. Last evaluated: 2026-08-06. Review status: criteria provided, single submitter. Criteria: ACMG Guidelines, 2015. Collection method: clinical testing. Allele origin: germline.
Comment: The TTN c.62425G>A variant is predicted to result in the amino acid substitution p.Ala20809Thr. This variant has been reported in both control and affected individuals from a dilated cardiomyopathy cohort (Tables S3 and S4, Mazzarotto et al. 2020. PubMed ID: 31983221). This variant is reported in 0.016% of alleles in individuals of European (Non-Finnish) descent in gnomAD. Although we suspect that this variant may be benign, at this time, the clinical significance of this variant is uncertain due to the absence of conclusive functional and genetic evidence.

CeGaT Center for Human Genetics Tuebingen
Classification: Uncertain significance. Last evaluated: 2025-05-01. Review status: criteria provided, single submitter. Criteria: CeGaT Center For Human Genetics Tuebingen Variant Classification Criteria Version 2. Collection method: clinical testing. Allele origin: germline. Affected: yes. Observed: 2 variant alleles.
Comment: TTN: PM2, BP4

ARUP Laboratories, Molecular Genetics and Genomics, ARUP Laboratories
Classification: Uncertain significance. Last evaluated: 2024-11-15. Review status: criteria provided, single submitter. Criteria: ARUP Molecular Germline Variant Investigation Process 2024. Collection method: clinical testing. Allele origin: germline.
Comment: The TTN c.62425G>A; p.Ala20809Thr variant (rs532844402; ClinVar Variation ID: 202761) is rare in the general population (<0.2% allele frequency in the Genome Aggregation Database). This variant is reported in the literature in an individual with dilated cardiomyopathy (DCM; Mazzarotto 2020), but is presented without additional evidence of causality. The clinical relevance of rare missense variants in this gene, which are identified on average once per individual sequenced in affected populations (Herman 2012), is not well understood. Yet, evidence suggests that the vast majority of such missense variants do not contribute to the clinical outcome of DCM (Begay 2015). Thus, the clinical significance of this variant cannot be determined with certainty. References: Begay RL et al. Role of Titin Missense Variants in Dilated Cardiomyopathy. J Am Heart Assoc. 2015 Nov 13;4(11). PMID: 26567375. Herman DS et al. Truncations of titin causing dilated cardiomyopathy. N Engl J Med. 2012 Feb 16;366(7):619-28. PMID: 22335739. Linke WA and Hamdani N. Gigantic business: titin properties and function through thick and thin. Circ Res 2014; 114(6): 1052-1068. PMID: 24625729. Mazzarotto F et al. Reevaluating the Genetic Contribution of Monogenic Dilated Cardiomyopathy. Circulation. 2020 Feb 4;141(5):387-398. PMID: 31983221

Blueprint Genetics
Classification: Likely benign. Last evaluated: 2024-10-16. Review status: criteria provided, single submitter. Criteria: ACMG Guidelines, 2015. Collection method: clinical testing. Allele origin: germline.

Revvity Omics, Revvity
Classification: Uncertain significance. Last evaluated: 2023-07-12. Review status: criteria provided, single submitter. Criteria: ACMG Guidelines, 2015. Collection method: clinical testing. Allele origin: germline.

Ambry Genetics
Classification: Likely benign for Cardiovascular phenotype. Last evaluated: 2020-04-28. Review status: criteria provided, single submitter. Criteria: Ambry Variant Classification Scheme 2023. Collection method: clinical testing. Allele origin: germline.

Illumina Laboratory Services, Illumina
Classification: Benign for Myopathy, myofibrillar, 9, with early respiratory failure. Last evaluated: 2018-01-13. Review status: criteria provided, single submitter. Criteria: ICSL Variant Classification Criteria 13 December 2019. Collection method: clinical testing. Allele origin: germline.
Comment: This variant was observed in the ICSL laboratory as part of a predisposition screen in an ostensibly healthy population. It had not been previously curated by ICSL or reported in the Human Gene Mutation Database (HGMD: prior to June 1st, 2018), and was therefore a candidate for classification through an automated scoring system. Utilizing variant allele frequency, disease prevalence and penetrance estimates, and inheritance mode, an automated score was calculated to assess if this variant is too frequent to cause the disease. Based on the score and internal cut-off values, a variant classified as benign is not then subjected to further curation. The score for this variant resulted in a classification of benign for this disease.

Illumina Laboratory Services, Illumina
Classification: Benign for Tibial muscular dystrophy. Last evaluated: 2018-01-13. Review status: criteria provided, single submitter. Criteria: ICSL Variant Classification Criteria 13 December 2019. Collection method: clinical testing. Allele origin: germline.
Comment: the same text as in the submission from Illumina Laboratory Services, Illumina above.

Illumina Laboratory Services, Illumina
Classification: Uncertain significance for Dilated cardiomyopathy 1G. Last evaluated: 2018-01-13. Review status: criteria provided, single submitter. Criteria: ICSL Variant Classification Criteria 13 December 2019. Collection method: clinical testing. Allele origin: germline.

Illumina Laboratory Services, Illumina
Classification: Uncertain significance for Autosomal recessive limb-girdle muscular dystrophy type 2J. Last evaluated: 2018-01-13. Review status: criteria provided, single submitter. Criteria: ICSL Variant Classification Criteria 13 December 2019. Collection method: clinical testing. Allele origin: germline.

Illumina Laboratory Services, Illumina
Classification: Uncertain significance for Early-onset myopathy with fatal cardiomyopathy. Last evaluated: 2018-01-13. Review status: criteria provided, single submitter. Criteria: ICSL Variant Classification Criteria 13 December 2019. Collection method: clinical testing. Allele origin: germline.

CHEO Genetics Diagnostic Laboratory, Children's Hospital of Eastern Ontario
Classification: Uncertain significance for Cardiomyopathy. Last evaluated: 2017-11-29. Review status: criteria provided, single submitter. Criteria: ACMG Guidelines, 2015. Collection method: clinical testing. Allele origin: germline.

Labcorp Genetics (formerly Invitae), Labcorp
Classification: Uncertain significance for Dilated cardiomyopathy 1G; Autosomal recessive limb-girdle muscular dystrophy type 2J. Last evaluated: 2017-05-16. Review status: criteria provided, single submitter. Criteria: Invitae Variant Classification Sherloc (09022015). Collection method: clinical testing. Allele origin: germline.

GeneDx
No classification provided. Last evaluated: 2013-01-16. Review status: no classification provided. Criteria: GeneDx Variant Classification (06012015). Collection method: clinical testing. Allele origin: germline. Affected: yes. Not counted in ClinVar's aggregate classification.
Comment: Missense variants in the TTN gene are considered 'unclassified' if they are not previously reported in the literature and do not have >1% frequency in the population to be considered a polymorphism. Research indicates that truncating mutations in the TTN gene are expected to account for approximately 25% of familial and 18% of sporadic idiopathic DCM; however, truncating variants in the TTN gene have been reported in approximately 3% of reported control alleles. There has been little investigation into non-truncating variants. (Herman D et al. Truncations of titin causing dilated cardiomyopathy. N Eng J Med 366:619-628, 2012) The variant is found in DCM panel(s).

NM_001267550.2(TTN):c.62425G>A (p.Ala20809Thr)

Genes: TTN (titin; minus strand), TTN-AS1 (TTN antisense RNA 1; plus strand). Cytogenetic location: 2q31.2.
Variant type: single nucleotide variant.
Coding change: c.62425G>A on transcript NM_001267550.2 (MANE Select); coding-DNA position 62425, G replaced by A.
Protein change: p.Ala20809Thr; replaces alanine 20809 with threonine.
Molecular consequence: missense variant.
Genome position (GRCh38, 1-based): chr2:178,589,300, C>T on the plus strand (G>A on the coding strand, the complement: TTN is on the minus strand). VCF-style: chr2-178589300-C-T. GRCh37 (hg19) VCF-style: chr2-179454027-C-T.
Other names: p.A19168T:GCT>ACT; c.57502G>A, p.Ala19168Thr (NM_001256850.1); c.35230G>A, p.Ala11744Thr (NM_003319.4); c.54721G>A, p.Ala18241Thr (NM_133378.4); c.35605G>A, p.Ala11869Thr (NM_133432.3); c.35806G>A, p.Ala11936Thr (NM_133437.4); short protein forms A19168T, A20809T, A11744T, A11869T, A11936T, A18241T.
Identifiers: ClinVar variation 202761 (VCV000202761.38), dbSNP rs532844402, ClinGen allele CA310203.
Genomic context (GRCh38, chr2:178,589,300, plus strand): 5'-ATTTAGATGAATCAGCACGGGTATCAATCTTGACCCTTGGTGATCTTGTTAAGTCTGTAG[C>T]GTCTTTGTCCTTGGTCCATGCAACTTCTGGGAATGGTTTGCCTCTAACCCCTGCCTCAAG-3'
Protein context (NP_001254479.2, residues 20799-20819): PEVAWTKDKD[Ala20809Thr]TDLTRSPRVK